The following is an entry in ClinVar:

ClinVar aggregate classification (germline): Likely benign. Review status: criteria provided, multiple submitters, no conflicts (2 of 4 stars). 5 submissions from 5 submitters: Likely benign (4). 1 of the submissions does not count toward it. Last evaluated 2025-12-29.

Conditions:
APC-related disorder. Also called: APC-related condition.
Familial adenomatous polyposis 1 (FAP1). Also called: FAMILIAL ADENOMATOUS POLYPOSIS 1, ATTENUATED; POLYPOSIS, ADENOMATOUS INTESTINAL. Identifiers: MedGen C2713442, MONDO:0021056, OMIM 175100. Disease mechanism: loss of function.

Allele frequency attached by ClinVar (database versions not stated): gnomAD exomes 0.00001; TOPMed below 0.00001.
gnomAD v4.1: 7 of 1,370,650 alleles (0.00051%); highest among the groups gnomAD compares: Admixed American, 0.0043%; no homozygotes.

Submissions (5):

Labcorp Genetics (formerly Invitae), Labcorp
Classification: Likely benign for Familial adenomatous polyposis 1. Last evaluated: 2025-12-29. Review status: criteria provided, single submitter. Criteria: Invitae Variant Classification Sherloc (09022015). Collection method: clinical testing. Allele origin: germline.

Center for Genomic Medicine, Rigshospitalet, Copenhagen University Hospital
Classification: Likely benign. Last evaluated: 2025-03-04. Review status: criteria provided, single submitter. Criteria: ACMG Guidelines, 2015. Collection method: clinical testing. Allele origin: germline.

CeGaT Center for Human Genetics Tuebingen
Classification: Likely benign. Last evaluated: 2024-07-01. Review status: criteria provided, single submitter. Criteria: CeGaT Center For Human Genetics Tuebingen Variant Classification Criteria Version 2. Collection method: clinical testing. Allele origin: germline. Affected: yes. Observed: 1 variant allele.
Comment: APC: BP4, BP7

Mendelics
Classification: Likely benign for Familial adenomatous polyposis 1. Last evaluated: 2019-05-28. Review status: criteria provided, single submitter. Criteria: Mendelics Assertion Criteria 2017. Collection method: clinical testing. Allele origin: unknown.

PreventionGenetics, part of Exact Sciences
Classification: Likely benign for APC-related condition. Last evaluated: 2023-04-17. Review status: no assertion criteria provided. Collection method: clinical testing. Allele origin: germline. Not counted in ClinVar's aggregate classification.
Comment: This variant is classified as likely benign based on ACMG/AMP sequence variant interpretation guidelines (Richards et al. 2015 PMID: 25741868, with internal and published modifications).

NM_001127511.3(APC):c.30C>A (p.Val10=)

Gene: APC (APC regulator of Wnt signaling pathway; plus strand). Cytogenetic location: 5q22.2.
Variant type: single nucleotide variant.
Coding change: c.30C>A on transcript NM_001127511.3; coding-DNA position 30, C replaced by A.
Protein change: p.Val10=; no amino-acid change (valine 10 retained).
Molecular consequence: synonymous variant. On other transcripts: 5 prime UTR variant (8), non-coding transcript variant (1), intron variant (5).
Genome position (GRCh38, 1-based): chr5:112,707,747, C>A. VCF-style: chr5-112707747-C-A. GRCh37 (hg19) VCF-style: chr5-112043444-C-A.
Other names: c.-154C>A (NM_001354895.2, NM_001407447.1, NM_001407452.1 and 3 more transcripts); c.30C>A, p.Val10= (NM_001354897.2, NM_001354902.2, NM_001407446.1); c.-1189C>A (NM_001407470.1, NM_001407472.1); c.-19+98C>A (NM_001407448.1, NM_001407450.1, NM_001407457.1 and 1 more transcripts); c.-43+98C>A (NM_001407453.1).
Identifiers: ClinVar variation 469800 (VCV000469800.31), dbSNP rs917976853, ClinGen allele CA124925115.